The following is an entry in ClinVar:

NM_000092.5(COL4A4):c.3961del (p.Asp1321fs)

Gene: COL4A4 (collagen type IV alpha 4 chain; minus strand). Cytogenetic location: 2q36.3.
Variant type: Deletion.
Coding change: c.3961del on transcript NM_000092.5 (MANE Select); coding-DNA position 3961, one base deleted (G; older notation c.3961delG).
Protein change: p.Asp1321fs; shifts the reading frame from aspartic acid 1321.
Molecular consequence: frameshift variant.
Genome position (GRCh38, 1-based): chr2:227,030,455, C deleted on the plus strand (G on the coding strand, the reverse complement: COL4A4 is on the minus strand). VCF-style (leftmost placement, unchanged base first): chr2-227030454-TC-T. GRCh37 (hg19) VCF-style: chr2-227895170-TC-T.
Other names: short protein forms D1321fs.
Identifiers: ClinVar variation 2122276 (VCV002122276.4), dbSNP rs2473272655, ClinGen allele CA2580065851.

ClinVar aggregate classification (germline): Pathogenic (1 of 4 stars; one submission).

Submission:

Labcorp Genetics (formerly Invitae), Labcorp
Classification: Pathogenic. Last evaluated: 2026-01-05. Review status: criteria provided, single submitter. Criteria: Invitae Variant Classification Sherloc (09022015). Collection method: clinical testing. Allele origin: germline.
Comment: This sequence change creates a premature translational stop signal (p.Asp1321Metfs*67) in the COL4A4 gene. It is expected to result in an absent or disrupted protein product. Loss-of-function variants in COL4A4 are known to be pathogenic (PMID: 21196518, 24854265, 25307543). This variant is not present in population databases (gnomAD no frequency). This premature translational stop signal has been observed in individual(s) with Alport syndrome (PMID: 38790222). ClinVar contains an entry for this variant (Variation ID: 2122276). For these reasons, this variant has been classified as Pathogenic.

Literature cited by the submitters: PubMed 21196518; PubMed 24854265; PubMed 25307543; PubMed 38790222.